The following is an entry in ClinVar:

NM_006267.5(RANBP2):c.1601C>T (p.Ala534Val)

Gene: RANBP2 (RAN binding protein 2; plus strand). Cytogenetic location: 2q13.
Variant type: single nucleotide variant.
Coding change: c.1601C>T on transcript NM_006267.5 (MANE Select); coding-DNA position 1601, C replaced by T.
Protein change: p.Ala534Val; replaces alanine 534 with valine.
Molecular consequence: missense variant.
Genome position (GRCh38, 1-based): chr2:108,751,673, C>T. VCF-style: chr2-108751673-C-T. GRCh37 (hg19) VCF-style: chr2-109368129-C-T.
Other names: short protein forms A534V.
Identifiers: ClinVar variation 657039 (VCV000657039.28), dbSNP rs763321558, ClinGen allele CA1822366.

ClinVar aggregate classification (germline): Uncertain significance. Review status: criteria provided, multiple submitters, no conflicts (2 of 4 stars). 3 submissions from 3 submitters: Uncertain significance (3). Last evaluated 2025-09-10.

Conditions:
Familial acute necrotizing encephalopathy (IIAE3). Also called: Susceptibility to Acute Necrotizing Encephalopathy 1; ENCEPHALOPATHY, ACUTE, INFECTION-INDUCED, SUSCEPTIBILITY TO, 3. Identifiers: Orphanet 88619, MedGen C2675556, MONDO:0011953, OMIM 608033.

Allele frequency attached by ClinVar (database versions not stated): ExAC 0.00002; TOPMed 0.00002; gnomAD exomes 0.00003.

Submissions (3):

Ambry Genetics
Classification: Uncertain significance. Last evaluated: 2025-09-10. Review status: criteria provided, single submitter. Criteria: Ambry Variant Classification Scheme 2023. Collection method: clinical testing. Allele origin: germline.

CeGaT Center for Human Genetics Tuebingen
Classification: Uncertain significance. Last evaluated: 2023-02-01. Review status: criteria provided, single submitter. Criteria: CeGaT Center For Human Genetics Tuebingen Variant Classification Criteria Version 2. Collection method: clinical testing. Allele origin: germline. Affected: yes. Observed: 1 variant allele.

Labcorp Genetics (formerly Invitae), Labcorp
Classification: Uncertain significance for Familial acute necrotizing encephalopathy. Last evaluated: 2021-08-24. Review status: criteria provided, single submitter. Criteria: Invitae Variant Classification Sherloc (09022015). Collection method: clinical testing. Allele origin: germline.
Comment: This sequence change replaces alanine with valine at codon 534 of the RANBP2 protein (p.Ala534Val). The alanine residue is highly conserved and there is a small physicochemical difference between alanine and valine. The frequency data for this variant in the population databases is considered unreliable, as metrics indicate poor data quality at this position in the ExAC database. This variant has not been reported in the literature in individuals affected with RANBP2-related conditions. Algorithms developed to predict the effect of missense changes on protein structure and function are either unavailable or do not agree on the potential impact of this missense change (SIFT: "Deleterious"; PolyPhen-2: "Benign"; Align-GVGD: "Class C55"). In summary, the available evidence is currently insufficient to determine the role of this variant in disease. Therefore, it has been classified as a Variant of Uncertain Significance.